The following is an entry in ClinVar:

ClinVar aggregate classification (germline): Uncertain significance (1 of 4 stars; one submission).

Conditions:
Regional enteritis. Also called: Enteritis, Granulomatous. Identifiers: MedGen C0678202, MeSH D003424.
Blau syndrome (BLAUS). Also called: ARTHROCUTANEOUVEAL GRANULOMATOSIS; GRANULOMATOSIS, FAMILIAL JUVENILE SYSTEMIC; GRANULOMATOSIS, FAMILIAL, BLAU TYPE; GRANULOMATOUS INFLAMMATORY ARTHRITIS, DERMATITIS, AND UVEITIS, FAMILIAL; JABS SYNDROME. Identifiers: Orphanet 90340, MedGen C5201146, MONDO:0008523, OMIM 186580.

Allele frequency attached by ClinVar (database versions not stated): ExAC 0.00001; gnomAD exomes 0.00001; gnomAD 0.00003 and 0.00004; TOPMed 0.00004; 1000 Genomes Project 30x 0.00016; 1000 Genomes Project 0.00020.
gnomAD v4.1: 16 of 1,613,962 alleles (0.00099%); highest among the groups gnomAD compares: Admixed American, 0.0067%; no homozygotes.

Submission:

Labcorp Genetics (formerly Invitae), Labcorp
Classification: Uncertain significance for Regional enteritis; Blau syndrome. Last evaluated: 2025-10-13. Review status: criteria provided, single submitter. Criteria: Invitae Variant Classification Sherloc (09022015). Collection method: clinical testing. Allele origin: germline.
Comment: This sequence change falls in intron 5 of the NOD2 gene. It does not directly change the encoded amino acid sequence of the NOD2 protein. It affects a nucleotide within the consensus splice site. This variant is present in population databases (rs201329309, gnomAD 0.002%). This variant has not been reported in the literature in individuals affected with NOD2-related conditions. ClinVar contains an entry for this variant (Variation ID: 1060337). Variants that disrupt the consensus splice site are a relatively common cause of aberrant splicing (PMID: 17576681, 9536098). Algorithms developed to predict the effect of sequence changes on RNA splicing suggest that this variant may disrupt the consensus splice site. In summary, the available evidence is currently insufficient to determine the role of this variant in disease. Therefore, it has been classified as a Variant of Uncertain Significance.

Literature cited by the submitters: PubMed 17576681; PubMed 9536098.

NM_001370466.1(NOD2):c.2465+6T>A

Gene: NOD2 (nucleotide binding oligomerization domain containing 2; plus strand). Cytogenetic location: 16q12.1.
Variant type: single nucleotide variant.
Coding change: c.2465+6T>A on transcript NM_001370466.1 (MANE Select); 6 bases into the intron after coding-DNA position 2465, T replaced by A.
Molecular consequence: intron variant.
Genome position (GRCh38, 1-based): chr16:50,716,676, T>A. VCF-style: chr16-50716676-T-A. GRCh37 (hg19) VCF-style: chr16-50750587-T-A.
Other names: c.2546+6T>A (NM_022162.3); c.2465+6T>A (NM_001293557.2).
Identifiers: ClinVar variation 1060337 (VCV001060337.7), dbSNP rs201329309, ClinGen allele CA8051820.